The following is an entry in ClinVar:

ClinVar aggregate classification (germline): Uncertain significance (1 of 4 stars; one submission).

Allele frequency attached by ClinVar (database versions not stated): gnomAD 0.00001; TOPMed 0.00001; gnomAD exomes 0.00002.
gnomAD v4.1: 15 of 1,613,650 alleles (0.00093%); highest among the groups gnomAD compares: Admixed American, 0.0033%; no homozygotes.

Submission:

Labcorp Genetics (formerly Invitae), Labcorp
Classification: Uncertain significance. Last evaluated: 2021-09-01. Review status: criteria provided, single submitter. Criteria: Invitae Variant Classification Sherloc (09022015). Collection method: clinical testing. Allele origin: germline.
Comment: This sequence change replaces valine with methionine at codon 239 of the GPAA1 protein (p.Val239Met). The valine residue is moderately conserved and there is a small physicochemical difference between valine and methionine. This variant is not present in population databases (ExAC no frequency). This variant has not been reported in the literature in individuals affected with GPAA1-related conditions. Algorithms developed to predict the effect of missense changes on protein structure and function are either unavailable or do not agree on the potential impact of this missense change (SIFT: "Deleterious"; PolyPhen-2: "Benign"; Align-GVGD: "Class C0"). In summary, the available evidence is currently insufficient to determine the role of this variant in disease. Therefore, it has been classified as a Variant of Uncertain Significance.

NM_003801.4(GPAA1):c.715G>A (p.Val239Met)

Gene: GPAA1 (glycosylphosphatidylinositol anchor attachment 1; plus strand). Cytogenetic location: 8q24.3.
Variant type: single nucleotide variant.
Coding change: c.715G>A on transcript NM_003801.4 (MANE Select); coding-DNA position 715, G replaced by A.
Protein change: p.Val239Met; replaces valine 239 with methionine.
Molecular consequence: missense variant.
Genome position (GRCh38, 1-based): chr8:144,084,232, G>A. VCF-style: chr8-144084232-G-A. GRCh37 (hg19) VCF-style: chr8-145139135-G-A.
Other names: short protein forms V239M.
Identifiers: ClinVar variation 1400544 (VCV001400544.5), dbSNP rs978655919, ClinGen allele CA187627617.